The following is an entry in ClinVar:

NM_014243.3(ADAMTS3):c.505G>A (p.Ala169Thr)

Gene: ADAMTS3 (ADAM metallopeptidase with thrombospondin type 1 motif 3; minus strand). Cytogenetic location: 4q13.3.
Variant type: single nucleotide variant.
Coding change: c.505G>A on transcript NM_014243.3 (MANE Select); coding-DNA position 505, G replaced by A.
Protein change: p.Ala169Thr; replaces alanine 169 with threonine.
Molecular consequence: missense variant.
Genome position (GRCh38, 1-based): chr4:72,414,971, C>T on the plus strand (G>A on the coding strand, the complement: ADAMTS3 is on the minus strand). VCF-style: chr4-72414971-C-T. GRCh37 (hg19) VCF-style: chr4-73280688-C-T.
Other names: short protein forms A169T.
Identifiers: ClinVar variation 4531944 (VCV004531944.1).

ClinVar aggregate classification (germline): Uncertain significance (1 of 4 stars; one submission).

Conditions:
Hennekam lymphangiectasia-lymphedema syndrome 3. Identifiers: MedGen C4748408, MONDO:0032564, OMIM 618154.

gnomAD v4.1: 16 of 1,493,282 alleles (0.0011%); highest among the groups gnomAD compares: Middle Eastern, 0.035%; no homozygotes.

Submission:

Victorian Clinical Genetics Services, Murdoch Childrens Research Institute
Classification: Uncertain significance for Hennekam lymphangiectasia-lymphedema syndrome 3. Last evaluated: 2024-10-11. Review status: criteria provided, single submitter. Criteria: ACMG Guidelines, 2015. Collection method: clinical testing. Allele origin: germline.
Comment: This variant is classified as VUS-3B. Evidence in support of pathogenic classification: Variant is present in gnomAD <0.01 for a recessive condition (v4: 16 heterozygote(s), 0 homozygote(s)). Evidence in support of benign classification: Missense variant consistently predicted to be tolerated by in silico tool or not conserved in placental mammals with a minor amino acid change. Additional information: Variant is predicted to result in a missense amino acid change from alanine to threonine. - This variant is heterozygous; This gene is associated with autosomal recessive disease; Multiple alternative amino acid changes at the same position have been observed in gnomAD (v4) (highest allele count: 16 heterozygotes, 0 homozygotes); This variant has no previous evidence of pathogenicity; No published segregation evidence has been identified for this variant; No published functional evidence has been identified for this variant; No comparable missense variants have previous evidence for pathogenicity; Variant is located in the annotated prodomain (PMID: 28985353); Loss of function is a known mechanism of disease in this gene and is associated with Hennekam lymphangiectasia-lymphoedema syndrome 3 (MIM#618154); Variants in this gene are known to have variable expressivity (OMIM).

Literature cited by the submitters: PubMed 28985353.